The following is an entry in ClinVar:

ClinVar aggregate classification (germline): Uncertain significance (1 of 4 stars; one submission).

Conditions:
Ehlers-Danlos syndrome, classic type, 1 (EDSCL1). Also called: EHLERS-DANLOS SYNDROME, GRAVIS TYPE; EHLERS-DANLOS SYNDROME, SEVERE CLASSIC TYPE; Ehlers-Danlos syndrome, type 1; Ehlers-Danlos Syndrome, Classic Type, COL5A1-Related; EDS I. Identifiers: MedGen C0268335, MONDO:0019567, OMIM 130000.

Submission:

Labcorp Genetics (formerly Invitae), Labcorp
Classification: Uncertain significance for Ehlers-Danlos syndrome, classic type, 1. Last evaluated: 2023-12-02. Review status: criteria provided, single submitter. Criteria: Invitae Variant Classification Sherloc (09022015). Collection method: clinical testing. Allele origin: germline.
Comment: This variant, c.1798_1800dup, results in the insertion of 1 amino acid(s) of the COL5A2 protein (p.Gly600dup), but otherwise preserves the integrity of the reading frame. This variant is not present in population databases (gnomAD no frequency). This variant has not been reported in the literature in individuals affected with COL5A2-related conditions. In summary, the available evidence is currently insufficient to determine the role of this variant in disease. Therefore, it has been classified as a Variant of Uncertain Significance.

NM_000393.5(COL5A2):c.1798_1800dup (p.Gly600_Pro601insGly)

Gene: COL5A2 (collagen type V alpha 2 chain; minus strand). Cytogenetic location: 2q32.2.
Variant type: Duplication.
Coding change: c.1798_1800dup on transcript NM_000393.5 (MANE Select); coding-DNA positions 1798 to 1800, 3 bases duplicated (GGT; older notation c.1798_1800dupGGT).
Protein change: p.Gly600_Pro601insGly.
Molecular consequence: inframe insertion.
Genome position (GRCh38, 1-based): chr2:189,063,241-189,063,243, ACC duplicated on the plus strand (GGT on the coding strand, the reverse complement: COL5A2 is on the minus strand). VCF-style (leftmost placement, unchanged base first): chr2-189063240-G-GACC. GRCh37 (hg19) VCF-style: chr2-189927966-G-GACC.
Identifiers: ClinVar variation 2700399 (VCV002700399.3), dbSNP rs2469296175, ClinGen allele CA2697551465.